The following is an entry in ClinVar:

NM_001065.4(TNFRSF1A):c.687C>A (p.Phe229Leu)

Gene: TNFRSF1A (TNF receptor superfamily member 1A; minus strand). Cytogenetic location: 12p13.31.
Variant type: single nucleotide variant.
Coding change: c.687C>A on transcript NM_001065.4 (MANE Select); coding-DNA position 687, C replaced by A.
Protein change: p.Phe229Leu; replaces phenylalanine 229 with leucine.
Molecular consequence: missense variant. On other transcripts: non-coding transcript variant (1).
Genome position (GRCh38, 1-based): chr12:6,330,650, G>T on the plus strand (C>A on the coding strand, the complement: TNFRSF1A is on the minus strand). VCF-style: chr12-6330650-G-T. GRCh37 (hg19) VCF-style: chr12-6439816-G-T.
Other names: c.363C>A, p.Phe121Leu (NM_001346091.2); c.228C>A, p.Phe76Leu (NM_001346092.2); short protein forms F229L, F121L, F76L.
Identifiers: ClinVar variation 513478 (VCV000513478.9), dbSNP rs766811013, ClinGen allele CA6405427.

ClinVar aggregate classification (germline): Conflicting classifications of pathogenicity. Review status: criteria provided, conflicting classifications (1 of 4 stars). 2 submissions from 2 submitters: Uncertain significance (1); Likely benign (1). Last evaluated 2025-09-22.

Conditions:
TNF receptor-associated periodic fever syndrome (TRAPS) (FPF). Also called: TNF receptor 1-associated periodic fever syndrome; FAMILIAL HIBERNIAN FEVER; TNF Receptor-Associated Periodic Fever Syndrome; TNF RECEPTOR-ASSOCIATED PERIODIC SYNDROME; TUMOR NECROSIS FACTOR RECEPTOR-ASSOCIATED PERIODIC SYNDROME; Autosomal Dominant Familial Periodic Fever. Identifiers: Orphanet 32960, MedGen C1275126, MONDO:0007727, OMIM 142680.

Allele frequency attached by ClinVar (database versions not stated): ExAC 0.00001; gnomAD exomes 0.00001.
gnomAD v4.1: 9 of 1,613,992 alleles (0.00056%); highest among the groups gnomAD compares: Non-Finnish European, 0.00076%; no homozygotes.

Submissions (2):

Labcorp Genetics (formerly Invitae), Labcorp
Classification: Uncertain significance for TNF receptor-associated periodic fever syndrome (TRAPS). Last evaluated: 2025-09-22. Review status: criteria provided, single submitter. Criteria: Invitae Variant Classification Sherloc (09022015). Collection method: clinical testing. Allele origin: germline.
Comment: This sequence change replaces phenylalanine, which is neutral and non-polar, with leucine, which is neutral and non-polar, at codon 229 of the TNFRSF1A protein (p.Phe229Leu). This variant is present in population databases (rs766811013, gnomAD 0.002%). This variant has not been reported in the literature in individuals affected with TNFRSF1A-related conditions. ClinVar contains an entry for this variant (Variation ID: 513478). An algorithm developed to predict the effect of missense changes on protein structure and function outputs the following: PolyPhen-2: "Benign". The leucine amino acid residue is found in multiple mammalian species, which suggests that this missense change does not adversely affect protein function. In summary, the available evidence is currently insufficient to determine the role of this variant in disease. Therefore, it has been classified as a Variant of Uncertain Significance.

GeneDx
Classification: Likely benign. Last evaluated: 2017-11-20. Review status: criteria provided, single submitter. Criteria: GeneDx Variant Classification (06012015). Collection method: clinical testing. Allele origin: germline. Affected: yes.
Comment: This variant is considered likely benign or benign based on one or more of the following criteria: it is a conservative change, it occurs at a poorly conserved position in the protein, it is predicted to be benign by multiple in silico algorithms, and/or has population frequency not consistent with disease.